The following is an entry in ClinVar:

NM_001813.3(CENPE):c.1255C>A (p.Arg419=)

Gene: CENPE (centromere protein E; minus strand). Cytogenetic location: 4q24.
Variant type: single nucleotide variant.
Coding change: c.1255C>A on transcript NM_001813.3 (MANE Select); coding-DNA position 1255, C replaced by A.
Protein change: p.Arg419=; no amino-acid change (arginine 419 retained).
Molecular consequence: synonymous variant.
Genome position (GRCh38, 1-based): chr4:103,177,034, G>T on the plus strand (C>A on the coding strand, the complement: CENPE is on the minus strand). VCF-style: chr4-103177034-G-T. GRCh37 (hg19) VCF-style: chr4-104098191-G-T.
Other names: c.1255C>A, p.Arg419= (NM_001286734.2).
Identifiers: ClinVar variation 3906080 (VCV003906080.10).

ClinVar aggregate classification (germline): Likely benign (1 of 4 stars; one submission).

Submission:

CeGaT Center for Human Genetics Tuebingen
Classification: Likely benign. Last evaluated: 2025-06-01. Review status: criteria provided, single submitter. Criteria: CeGaT Center For Human Genetics Tuebingen Variant Classification Criteria Version 2. Collection method: clinical testing. Allele origin: germline. Affected: yes. Observed: 1 variant allele.
Comment: CENPE: PM2:Supporting, BP4, BP7